The following is an entry in ClinVar:

ClinVar aggregate classification (germline): Uncertain significance (1 of 4 stars; one submission).

gnomAD v4.1: 1 of 1,487,836 alleles (0.000067%); highest among the groups gnomAD compares: Non-Finnish European, 0.000089%; no homozygotes.

Submission:

Labcorp Genetics (formerly Invitae), Labcorp
Classification: Uncertain significance. Last evaluated: 2023-05-15. Review status: criteria provided, single submitter. Criteria: Invitae Variant Classification Sherloc (09022015). Collection method: clinical testing. Allele origin: germline.
Comment: In summary, the available evidence is currently insufficient to determine the role of this variant in disease. Therefore, it has been classified as a Variant of Uncertain Significance. An algorithm developed to predict the effect of missense changes on protein structure and function (PolyPhen-2) suggests that this variant is likely to be disruptive. ClinVar contains an entry for this variant (Variation ID: 1058961). This variant has not been reported in the literature in individuals affected with SAMD11-related conditions. The frequency data for this variant in the population databases is considered unreliable, as metrics indicate poor data quality at this position in the gnomAD database. This sequence change replaces leucine, which is neutral and non-polar, with phenylalanine, which is neutral and non-polar, at codon 347 of the SAMD11 protein (p.Leu347Phe).

NM_001385641.1(SAMD11):c.1528C>T (p.Leu510Phe)

Gene: SAMD11 (sterile alpha motif domain containing 11; plus strand). Cytogenetic location: 1p36.33.
Variant type: single nucleotide variant.
Coding change: c.1528C>T on transcript NM_001385641.1 (MANE Select); coding-DNA position 1528, C replaced by T.
Protein change: p.Leu510Phe; replaces leucine 510 with phenylalanine.
Molecular consequence: missense variant.
Genome position (GRCh38, 1-based): chr1:942,463, C>T. VCF-style: chr1-942463-C-T. GRCh37 (hg19) VCF-style: chr1-877843-C-T.
Other names: c.1531C>T, p.Leu511Phe (NM_001385640.1); c.1039C>T, p.Leu347Phe (NM_152486.4); short protein forms L347F, L510F, L511F.
Identifiers: ClinVar variation 1058961 (VCV001058961.6), dbSNP rs1478384002, ClinGen allele CA337807584.
Genomic context (GRCh38, chr1:942,463, plus strand): 5'-CCACCAGGCTACGGCTTCCTGCCCCCCGCGCAGGCGGAGATGTTCGCCTGGCAGCAGGAG[C>T]TCCTGCGGAAGCAGAACCTGGCCCGGTAGGTGCGGGGAGGCGGGCGGGGCCGCGCGGCCC-3'
Protein context (NP_001372570.1, residues 500-520): QAEMFAWQQE[Leu510Phe]LRKQNLARLE